The following is an entry in ClinVar:

NM_001963.6(EGF):c.2973G>A (p.Met991Ile)

Gene: EGF (epidermal growth factor; plus strand). Cytogenetic location: 4q25.
Variant type: single nucleotide variant.
Coding change: c.2973G>A on transcript NM_001963.6 (MANE Select); coding-DNA position 2973, G replaced by A.
Protein change: p.Met991Ile; replaces methionine 991 with isoleucine.
Molecular consequence: missense variant.
Genome position (GRCh38, 1-based): chr4:109,994,848, G>A. VCF-style: chr4-109994848-G-A. GRCh37 (hg19) VCF-style: chr4-110916004-G-A.
Other names: c.2850G>A, p.Met950Ile (NM_001178130.3); c.2847G>A, p.Met949Ile (NM_001178131.3); c.2604G>A, p.Met868Ile (NM_001357021.2); short protein forms M868I, M991I, M950I, M949I.
Identifiers: ClinVar variation 2612952 (VCV002612952.3), dbSNP rs926876335, ClinGen allele CA103709694.
Genomic context (GRCh38, chr4:109,994,848, plus strand): 5'-TAGTGACTCTGAATGTCCCCTGTCCCACGATGGGTACTGCCTCCATGATGGTGTGTGCAT[G>A]TATATTGAAGCATTGGACAAGTATGCATGCAAGTAAGTTAAACTGTCTTGCTGATGGCAC-3'
Protein context (NP_001954.2, residues 981-1001): DGYCLHDGVC[Met991Ile]YIEALDKYAC

ClinVar aggregate classification (germline): Uncertain significance. Review status: criteria provided, multiple submitters, no conflicts (2 of 4 stars). 2 submissions from 2 submitters: Uncertain significance (2). Last evaluated 2025-09-13.

Allele frequency attached by ClinVar (database versions not stated): TOPMed below 0.00001; gnomAD exomes below 0.00001.
gnomAD v4.1: 2 of 1,614,170 alleles (0.00012%); highest among the groups gnomAD compares: East Asian, 0.0022%; no homozygotes.

Submissions (2):

Labcorp Genetics (formerly Invitae), Labcorp
Classification: Uncertain significance. Last evaluated: 2025-09-13. Review status: criteria provided, single submitter. Criteria: Invitae Variant Classification Sherloc (09022015). Collection method: clinical testing. Allele origin: germline.
Comment: This sequence change replaces methionine, which is neutral and non-polar, with isoleucine, which is neutral and non-polar, at codon 991 of the EGF protein (p.Met991Ile). This variant is present in population databases (no rsID available, gnomAD 0.02%). This variant has not been reported in the literature in individuals affected with EGF-related conditions. ClinVar contains an entry for this variant (Variation ID: 2612952). An algorithm developed to predict the effect of missense changes on protein structure and function outputs the following: PolyPhen-2: "Benign". The isoleucine amino acid residue is found in multiple mammalian species, which suggests that this missense change does not adversely affect protein function. In summary, the available evidence is currently insufficient to determine the role of this variant in disease. Therefore, it has been classified as a Variant of Uncertain Significance.

Ambry Genetics
Classification: Uncertain significance. Last evaluated: 2023-07-19. Review status: criteria provided, single submitter. Criteria: Ambry Variant Classification Scheme 2023. Collection method: clinical testing. Allele origin: germline.